The following is an entry in ClinVar:

ClinVar aggregate classification (germline): Uncertain significance (1 of 4 stars; one submission).

Conditions:
Cardiovascular phenotype. Identifiers: MedGen CN230736.

Submission:

Ambry Genetics
Classification: Uncertain significance for Cardiovascular phenotype. Last evaluated: 2022-02-08. Review status: criteria provided, single submitter. Criteria: Ambry Variant Classification Scheme 2023. Collection method: clinical testing. Allele origin: germline.
Comment: The p.H203P variant (also known as c.608A>C), located in coding exon 6 of the CACNB2 gene, results from an A to C substitution at nucleotide position 608. The histidine at codon 203 is replaced by proline, an amino acid with similar properties. This amino acid position is conserved. In addition, this alteration is predicted to be tolerated by in silico analysis. Since supporting evidence is limited at this time, the clinical significance of this alteration remains unclear.

NM_201596.3(CACNB2):c.770A>C (p.His257Pro)

Gene: CACNB2 (calcium voltage-gated channel auxiliary subunit beta 2; plus strand). Cytogenetic location: 10p12.31.
Variant type: single nucleotide variant.
Coding change: c.770A>C on transcript NM_201596.3 (MANE Select); coding-DNA position 770, A replaced by C.
Protein change: p.His257Pro; replaces histidine 257 with proline.
Molecular consequence: missense variant. On other transcripts: intron variant (5).
Genome position (GRCh38, 1-based): chr10:18,514,335, A>C. VCF-style: chr10-18514335-A-C. GRCh37 (hg19) VCF-style: chr10-18803264-A-C.
Other names: c.605A>C, p.His202Pro (NM_000724.4); c.626A>C, p.His209Pro (NM_201570.3); c.686A>C, p.His229Pro (NM_201571.4); c.608A>C, p.His203Pro (NM_201590.3); c.587-176A>C (NM_001167945.2); c.587-645A>C (NM_201572.4); c.671-176A>C (NM_201593.3); c.671-645A>C (NM_201597.3); and 1 more; short protein forms H209P, H229P, H202P, H203P, H257P.
Identifiers: ClinVar variation 1751487 (VCV001751487.2), dbSNP rs749249437, ClinGen allele CA376060714.